The following is an entry in ClinVar:

ClinVar aggregate classification (germline): Uncertain significance. Review status: criteria provided, multiple submitters, no conflicts (2 of 4 stars). 2 submissions from 2 submitters: Uncertain significance (2). Last evaluated 2024-08-14.

Conditions:
KBG syndrome (KBGS). Also called: ANKRD11-Related KBG Syndrome. Identifiers: Orphanet 2332, MedGen C0220687, MONDO:0007846, OMIM 148050.

Allele frequency attached by ClinVar (database versions not stated): gnomAD exomes below 0.00001; gnomAD 0.00001; TOPMed 0.00001.
gnomAD v4.1: 7 of 1,613,110 alleles (0.00043%); highest among the groups gnomAD compares: Admixed American, 0.0033%; no homozygotes.

Submissions (2):

Labcorp Genetics (formerly Invitae), Labcorp
Classification: Uncertain significance for KBG syndrome. Last evaluated: 2024-08-14. Review status: criteria provided, single submitter. Criteria: Invitae Variant Classification Sherloc (09022015). Collection method: clinical testing. Allele origin: germline.
Comment: This sequence change replaces arginine, which is basic and polar, with histidine, which is basic and polar, at codon 1993 of the ANKRD11 protein (p.Arg1993His). The frequency data for this variant in the population databases is considered unreliable, as metrics indicate poor data quality at this position in the gnomAD database. This variant has not been reported in the literature in individuals affected with ANKRD11-related conditions. Invitae Evidence Modeling of protein sequence and biophysical properties (such as structural, functional, and spatial information, amino acid conservation, physicochemical variation, residue mobility, and thermodynamic stability) indicates that this missense variant is not expected to disrupt ANKRD11 protein function with a negative predictive value of 95%. In summary, the available evidence is currently insufficient to determine the role of this variant in disease. Therefore, it has been classified as a Variant of Uncertain Significance.

CeGaT Center for Human Genetics Tuebingen
Classification: Uncertain significance. Last evaluated: 2024-05-01. Review status: criteria provided, single submitter. Criteria: CeGaT Center For Human Genetics Tuebingen Variant Classification Criteria Version 2. Collection method: clinical testing. Allele origin: germline. Affected: yes. Observed: 1 variant allele.
Comment: ANKRD11: PM2, BP4

NM_013275.6(ANKRD11):c.5978G>A (p.Arg1993His)

Gene: ANKRD11 (ankyrin repeat domain 11; minus strand). Cytogenetic location: 16q24.3.
Variant type: single nucleotide variant.
Coding change: c.5978G>A on transcript NM_013275.6 (MANE Select); coding-DNA position 5978, G replaced by A.
Protein change: p.Arg1993His; replaces arginine 1993 with histidine.
Molecular consequence: missense variant.
Genome position (GRCh38, 1-based): chr16:89,280,564, C>T on the plus strand (G>A on the coding strand, the complement: ANKRD11 is on the minus strand). VCF-style: chr16-89280564-C-T. GRCh37 (hg19) VCF-style: chr16-89346972-C-T.
Other names: c.5978G>A, p.Arg1993His (NM_001256182.2, NM_001256183.2); short protein forms R1993H.
Identifiers: ClinVar variation 3239184 (VCV003239184.21), dbSNP rs1251064433.